The following is an entry in ClinVar:

NM_000257.4(MYH7):c.404C>A (p.Thr135Asn)

Gene: MYH7 (myosin heavy chain 7; minus strand). Cytogenetic location: 14q11.2.
Variant type: single nucleotide variant.
Coding change: c.404C>A on transcript NM_000257.4 (MANE Select); coding-DNA position 404, C replaced by A.
Protein change: p.Thr135Asn; replaces threonine 135 with asparagine.
Molecular consequence: missense variant.
Genome position (GRCh38, 1-based): chr14:23,432,737, G>T on the plus strand (C>A on the coding strand, the complement: MYH7 is on the minus strand). VCF-style: chr14-23432737-G-T. GRCh37 (hg19) VCF-style: chr14-23901946-G-T.
Other names: c.404C>A (LRG_384t1); short protein forms T135N.
Identifiers: ClinVar variation 449243 (VCV000449243.14), dbSNP rs1417172313, ClinGen allele CA389052887.
Genomic context (GRCh38, chr14:23,432,737, plus strand): 5'-AAGATGTGGGGCGGGGCCTCGCTCCTCTTCTTGCCCCGGTAGGCAGCCACCACCTCAGGA[G>T]TGTACACCGGCAGCCACTTGTAAGGGTTGACGGTGACACAGAAGAGGCCCGAGTAGGTCT-3'
Protein context (NP_000248.2, residues 125-145): VNPYKWLPVY[Thr135Asn]PEVVAAYRGK

ClinVar aggregate classification (germline): Conflicting classifications of pathogenicity. Review status: criteria provided, conflicting classifications (1 of 4 stars). 3 submissions from 3 submitters: Uncertain significance (2); Likely benign (1). Last evaluated 2024-08-30.

Conditions:
Cardiomyopathy (CMYO). Also called: Cardiomyopathies. Identifiers: Orphanet 167848, MedGen C0878544, MONDO:0004994, HP:0001638. Inheritance: Various modes of inheritance.
Hypertrophic cardiomyopathy. Also called: HYPERTROPHIC MYOCARDIOPATHY. Identifiers: Orphanet 217569, MedGen C0007194, MeSH D002312, MONDO:0005045, HP:0001639.

Allele frequency attached by ClinVar (database versions not stated): TOPMed 0.00001.

Submissions (3):

Color Diagnostics, LLC DBA Color Health
Classification: Likely benign for Cardiomyopathy. Last evaluated: 2024-08-30. Review status: criteria provided, single submitter. Criteria: ACMG Guidelines, 2015. Collection method: clinical testing. Allele origin: germline.

Labcorp Genetics (formerly Invitae), Labcorp
Classification: Uncertain significance for Hypertrophic cardiomyopathy. Last evaluated: 2019-11-26. Review status: criteria provided, single submitter. Criteria: Invitae Variant Classification Sherloc (09022015). Collection method: clinical testing. Allele origin: germline.
Comment: In summary, the available evidence is currently insufficient to determine the role of this variant in disease. Therefore, it has been classified as a Variant of Uncertain Significance. Algorithms developed to predict the effect of missense changes on protein structure and function output the following: SIFT: "Tolerated"; PolyPhen-2: "Benign"; Align-GVGD: "Class C0". The asparagine amino acid residue is found in multiple mammalian species, suggesting that this missense change does not adversely affect protein function. These predictions have not been confirmed by published functional studies and their clinical significance is uncertain. This variant has not been reported in the literature in individuals with MYH7-related conditions. ClinVar contains an entry for this variant (Variation ID: 449243). This variant is not present in population databases (ExAC no frequency). This sequence change replaces threonine with asparagine at codon 135 of the MYH7 protein (p.Thr135Asn). The threonine residue is weakly conserved and there is a small physicochemical difference between threonine and asparagine.

GeneDx
Classification: Uncertain significance. Last evaluated: 2017-09-15. Review status: criteria provided, single submitter. Criteria: GeneDx Variant Classification (06012015). Collection method: clinical testing. Allele origin: germline. Affected: yes.
Comment: The T135N variant of uncertain significance in the MYH7 gene has not been published as pathogenic or been reported as benign to our knowledge. T135N is not observed in large population cohorts (Lek et al., 2016; 1000 Genomes Consortium et al., 2015; Exome Variant Server). The T135N variant is a conservative amino acid substitution, which is not likely to impact secondary protein structure as these residues share similar properties. Moreover, this substitution occurs at a position that is not conserved, where N135 is the wild-type residue in multiple species. In silico analysis predicts this variant likely does not alter the protein structure/function. Although a missense variant in the same residue (T135I) and a missense variant in a nearby residue (V139L) have been reported in the Human Gene Mutation Database in association with cardiomyopathy (Stenson et al., 2014), the pathogenicity of each of these variants has not been definitively determined.